The following is an entry in ClinVar:

NM_001374504.1(TMPRSS6):c.684G>A (p.Gly228=)

Gene: TMPRSS6 (transmembrane serine protease 6; minus strand). Cytogenetic location: 22q12.3.
Variant type: single nucleotide variant.
Coding change: c.684G>A on transcript NM_001374504.1 (MANE Select); coding-DNA position 684, G replaced by A.
Protein change: p.Gly228=; no amino-acid change (glycine 228 retained).
Molecular consequence: synonymous variant.
Genome position (GRCh38, 1-based): chr22:37,089,730, C>T on the plus strand (G>A on the coding strand, the complement: TMPRSS6 is on the minus strand). VCF-style: chr22-37089730-C-T. GRCh37 (hg19) VCF-style: chr22-37485770-C-T.
Other names: p.Gly237=; c.684G>A, p.Gly228= (NM_001289000.2, NM_001289001.2, NM_153609.4).
Identifiers: ClinVar variation 4684486 (VCV004684486.1).
Genomic context (GRCh38, chr22:37,089,730, plus strand): 5'-GAGCATGAGGTCCTTGGGGCCCTGCAGGTGCCACAGGCAGCTGGAGGCCAGGTGGTCAGG[C>T]CCCTTCAGCCGGAGGACCTGGCCCTGGCCCACGTAGCTGTAGCGGTAACAACCTGGAGCG-3'
Protein context (NP_001361433.1, residues 218-238): VGQGQVLRLK[Gly228=]PDHLASSCLW

ClinVar aggregate classification (germline): Likely benign (1 of 4 stars; one submission).

gnomAD v4.1: 27 of 1,612,312 alleles (0.0017%); highest among the groups gnomAD compares: African/African-American, 0.008%; no homozygotes.

Submission:

Mayo Clinic Laboratories, Mayo Clinic
Classification: Likely benign. Last evaluated: 2025-05-29. Review status: criteria provided, single submitter. Criteria: ACMG Guidelines, 2015. Collection method: clinical testing. Allele origin: germline. Observed: 1 variant allele.
Comment: BP4, BP7, PM2_supporting